The following is an entry in ClinVar:

NM_000090.4(COL3A1):c.3586T>C (p.Cys1196Arg)

Gene: COL3A1 (collagen type III alpha 1 chain; plus strand). Cytogenetic location: 2q32.2.
Variant type: single nucleotide variant.
Coding change: c.3586T>C on transcript NM_000090.4 (MANE Select); coding-DNA position 3586, T replaced by C.
Protein change: p.Cys1196Arg; replaces cysteine 1196 with arginine.
Molecular consequence: missense variant.
Genome position (GRCh38, 1-based): chr2:189,008,984, T>C. VCF-style: chr2-189008984-T-C. GRCh37 (hg19) VCF-style: chr2-189873710-T-C.
Other names: short protein forms C1196R.
Identifiers: ClinVar variation 5043473 (VCV005043473.1).

ClinVar aggregate classification (germline): Uncertain significance (1 of 4 stars; one submission).

Conditions:
Ehlers-Danlos syndrome, type 4 (EDSVASC). Also called: Ehlers-Danlos syndrome vascular type; Ehlers Danlos syndrome, ecchymotic type; Ehlers Danlos syndrome, arterial type; Ehlers Danlos syndrome, Sack-Barabas type; Ehlers-Danlos Syndrome Type IV. Identifiers: Orphanet 286, MedGen C0268338, MONDO:0017314, OMIM 130050.

Submission:

MVZ Martinsried, Medicover Genetics
Classification: Uncertain significance for Ehlers-Danlos syndrome, type 4. Last evaluated: 2026-04-20. Review status: criteria provided, single submitter. Criteria: ClinGen Variant Curation SOP V3.2 + Classification Guidance July2025. Collection method: clinical testing. Allele origin: unknown. Affected: yes. Observed: 1 heterozygote.
Comment: PM2_Supporting, PP2, PP3